The following is an entry in ClinVar:

NM_000435.3(NOTCH3):c.476T>C (p.Val159Ala)

Gene: NOTCH3 (notch receptor 3; minus strand). Cytogenetic location: 19p13.12.
Variant type: single nucleotide variant.
Coding change: c.476T>C on transcript NM_000435.3 (MANE Select); coding-DNA position 476, T replaced by C.
Protein change: p.Val159Ala; replaces valine 159 with alanine.
Molecular consequence: missense variant.
Genome position (GRCh38, 1-based): chr19:15,192,163, A>G on the plus strand (T>C on the coding strand, the complement: NOTCH3 is on the minus strand). VCF-style: chr19-15192163-A-G. GRCh37 (hg19) VCF-style: chr19-15302974-A-G.
Other names: short protein forms V159A.
Identifiers: ClinVar variation 2632751 (VCV002632751.1), dbSNP rs2046933477, ClinGen allele CA404533895.
Genomic context (GRCh38, chr19:15,192,163, plus strand): 5'-CCAGGTGTGTTGAGGCAGGTGCCACCATGGCGGCAGGGCTCACCCACCCGGCACTCATCC[A>G]CGTCGCTTCGGCAGCTGCGGCCCTGGTAGCCAGGTGGGCAGGAGCAGAGGAAGCGTCCAT-3'
Protein context (NP_000426.2, residues 149-169): GYQGRSCRSD[Val159Ala]DECRVGEPCR

ClinVar aggregate classification (germline): Uncertain significance (1 of 4 stars; one submission).

Conditions:
NOTCH3-related disorder. Also called: NOTCH3-related condition; NOTCH3-related disorders.

Allele frequency attached by ClinVar (database versions not stated): gnomAD exomes below 0.00001; TOPMed below 0.00001.
gnomAD v4.1: 1 of 1,612,728 alleles (0.000062%); highest among the groups gnomAD compares: Non-Finnish European, 0.000085%; no homozygotes.

Submission:

PreventionGenetics, part of Exact Sciences
Classification: Uncertain significance for NOTCH3-related condition. Last evaluated: 2023-05-17. Review status: criteria provided, single submitter. Criteria: ACMG Guidelines, 2015. Collection method: clinical testing. Allele origin: germline.
Comment: The NOTCH3 c.476T>C variant is predicted to result in the amino acid substitution p.Val159Ala. To our knowledge, this variant has not been reported in the literature or in a large population database, indicating this variant is rare. At this time, the clinical significance of this variant is uncertain due to the absence of conclusive functional and genetic evidence.